The following is an entry in ClinVar:

ClinVar aggregate classification (germline): Benign/Likely benign. Review status: criteria provided, multiple submitters, no conflicts (2 of 4 stars). 3 submissions from 3 submitters: Benign (1); Likely benign (2). Last evaluated 2025-11-05.

Conditions:
Juvenile polyposis syndrome (JPS). Identifiers: Orphanet 2929, MedGen C0345893, MONDO:0017380, OMIM 174900.
Hereditary cancer-predisposing syndrome. Also called: Tumor predisposition; Neoplastic Syndromes, Hereditary; Hereditary Cancer Syndrome; Hereditary neoplastic syndrome. Identifiers: Orphanet 140162, MedGen C0027672, MeSH D009386, MONDO:0015356.

Submissions (3):

Labcorp Genetics (formerly Invitae), Labcorp
Classification: Likely benign for Juvenile polyposis syndrome. Last evaluated: 2025-11-05. Review status: criteria provided, single submitter. Criteria: Invitae Variant Classification Sherloc (09022015). Collection method: clinical testing. Allele origin: germline.

Myriad Genetics, Inc.
Classification: Benign for Juvenile polyposis syndrome. Last evaluated: 2024-08-08. Review status: criteria provided, single submitter. Criteria: Myriad Autosomal Dominant, Autosomal Recessive and X-Linked Classification Criteria (2023). Collection method: clinical testing. Allele origin: unknown.
Comment: This variant is considered benign. This variant is a silent/synonymous amino acid change and it is not expected to impact splicing.

Ambry Genetics
Classification: Likely benign for Hereditary cancer-predisposing syndrome. Last evaluated: 2020-12-04. Review status: criteria provided, single submitter. Criteria: Ambry Variant Classification Scheme 2023. Collection method: clinical testing. Allele origin: germline.

NM_004329.3(BMPR1A):c.1446T>C (p.Ile482=)

Gene: BMPR1A (bone morphogenetic protein receptor type 1A; plus strand). Cytogenetic location: 10q23.2.
Variant type: single nucleotide variant.
Coding change: c.1446T>C on transcript NM_004329.3 (MANE Select); coding-DNA position 1446, T replaced by C.
Protein change: p.Ile482=; no amino-acid change (isoleucine 482 retained).
Molecular consequence: synonymous variant. On other transcripts: non-coding transcript variant (3).
Genome position (GRCh38, 1-based): chr10:86,923,479, T>C. VCF-style: chr10-86923479-T-C. GRCh37 (hg19) VCF-style: chr10-88683236-T-C.
Other names: c.1521T>C, p.Ile507= (NM_001406559.1); c.1494T>C, p.Ile498= (NM_001406560.1); c.1446T>C, p.Ile482= (NM_001406561.1, NM_001406562.1, NM_001406563.1 and 19 more transcripts); c.1440T>C, p.Ile480= (NM_001406583.1); c.1362T>C, p.Ile454= (NM_001406584.1, NM_001406585.1, NM_001406586.1 and 2 more transcripts); c.1104T>C, p.Ile368= (NM_001406589.1).
Identifiers: ClinVar variation 1772809 (VCV001772809.8), dbSNP rs1843696706, ClinGen allele CA470308634.
Genomic context (GRCh38, chr10:86,923,479, plus strand): 5'-GAGTGATCCGTCATACGAAGATATGCGTGAGGTTGTGTGTGTCAAACGTTTGCGGCCAAT[T>C]GTGTCTAATCGGTGGAACAGTGATGAAGTGAGTGGAACTCAGTCCCCTGAAGAAGTGATT-3'
Protein context (NP_004320.2, residues 472-492): EVVCVKRLRP[Ile482=]VSNRWNSDEC